The following is an entry in ClinVar:

NM_021927.3(GUF1):c.20G>T (p.Arg7Leu)

Genes: GUF1 (GTP binding elongation factor GUF1; plus strand), LOC129992541 (ATAC-STARR-seq lymphoblastoid silent region 15397; plus strand). Cytogenetic location: 4p12.
Variant type: single nucleotide variant.
Coding change: c.20G>T on transcript NM_021927.3 (MANE Select); coding-DNA position 20, G replaced by T.
Protein change: p.Arg7Leu; replaces arginine 7 with leucine.
Molecular consequence: missense variant. On other transcripts: 5 prime UTR variant (2).
Genome position (GRCh38, 1-based): chr4:44,678,642, G>T. VCF-style: chr4-44678642-G-T. GRCh37 (hg19) VCF-style: chr4-44680659-G-T.
Other names: c.-949G>T (NM_001345867.2); c.20G>T, p.Arg7Leu (NM_001345868.2); c.-841G>T (NM_001345869.2); short protein forms R7L.
Identifiers: ClinVar variation 1468141 (VCV001468141.8), dbSNP rs767377506, ClinGen allele CA2905160.
Genomic context (GRCh38, chr4:44,678,642, plus strand): 5'-GCGTGTGGGTACCCTCTCCTGACGCCTCCGCCGCCCGGGTCATGTGGACCCTCGTGGGTC[G>T]GGGCTGGGGGTGCGCACGCGCTCTCGCGCCACGAGCCACTGGGGCCGCGCTTCTGGTGGC-3'
Protein context (NP_068746.2, residues 1-17): MWTLVG[Arg7Leu]GWGCARALAP

ClinVar aggregate classification (germline): Uncertain significance (1 of 4 stars; one submission).

Allele frequency attached by ClinVar (database versions not stated): gnomAD 0.00001; gnomAD exomes 0.00001; TOPMed 0.00001; ExAC 0.00002.
gnomAD v4.1: 4 of 1,474,040 alleles (0.00027%); highest among the groups gnomAD compares: Admixed American, 0.003%; no homozygotes.

Submission:

Labcorp Genetics (formerly Invitae), Labcorp
Classification: Uncertain significance. Last evaluated: 2021-02-07. Review status: criteria provided, single submitter. Criteria: Invitae Variant Classification Sherloc (09022015). Collection method: clinical testing. Allele origin: germline.
Comment: In summary, the available evidence is currently insufficient to determine the role of this variant in disease. Therefore, it has been classified as a Variant of Uncertain Significance. Algorithms developed to predict the effect of missense changes on protein structure and function (SIFT, PolyPhen-2, Align-GVGD) all suggest that this variant is likely to be tolerated, but these predictions have not been confirmed by published functional studies and their clinical significance is uncertain. This variant has not been reported in the literature in individuals with GUF1-related conditions. This variant is present in population databases (rs767377506, ExAC 0.003%). This sequence change replaces arginine with leucine at codon 7 of the GUF1 protein (p.Arg7Leu). The arginine residue is weakly conserved and there is a moderate physicochemical difference between arginine and leucine.